The following is an entry in ClinVar:

NM_000038.6(APC):c.3469G>T (p.Glu1157Ter)

Gene: APC (APC regulator of Wnt signaling pathway; plus strand). Cytogenetic location: 5q22.2.
Variant type: single nucleotide variant.
Coding change: c.3469G>T on transcript NM_000038.6 (MANE Select); coding-DNA position 3469, G replaced by T.
Protein change: p.Glu1157Ter; replaces glutamic acid 1157 with a stop codon.
Molecular consequence: nonsense. On other transcripts: non-coding transcript variant (2).
Genome position (GRCh38, 1-based): chr5:112,839,063, G>T. VCF-style: chr5-112839063-G-T. GRCh37 (hg19) VCF-style: chr5-112174760-G-T.
Other names: c.3469G>T, p.Glu1157Ter (NM_001127510.3, NM_001354895.2, NM_001407450.1); c.3415G>T, p.Glu1139Ter (NM_001127511.3); c.3523G>T, p.Glu1175Ter (NM_001354896.2, NM_001407447.1, NM_001407448.1 and 1 more transcripts); c.3499G>T, p.Glu1167Ter (NM_001354897.2); c.3394G>T, p.Glu1132Ter (NM_001354898.2); c.3385G>T, p.Glu1129Ter (NM_001354899.2); c.3346G>T, p.Glu1116Ter (NM_001354900.2); c.3292G>T, p.Glu1098Ter (NM_001354901.2, NM_001407453.1); and 11 more; short protein forms E1028*, E1031*, E1056*, E1066*, E1074*, E1098*, E1116*, E1129*.
Identifiers: ClinVar variation 2583245 (VCV002583245.1), dbSNP rs1554085038, ClinGen allele CA16028948.

ClinVar aggregate classification (germline): Pathogenic (1 of 4 stars; one submission).

Conditions:
Familial adenomatous polyposis 1 (FAP1). Also called: POLYPOSIS, ADENOMATOUS INTESTINAL; FAMILIAL ADENOMATOUS POLYPOSIS 1, ATTENUATED. Identifiers: MedGen C2713442, MONDO:0021056, OMIM 175100. Disease mechanism: loss of function.

Submission:

Myriad Genetics, Inc.
Classification: Pathogenic for Familial adenomatous polyposis 1. Last evaluated: 2023-05-08. Review status: criteria provided, single submitter. Criteria: Myriad Autosomal Dominant, Autosomal Recessive and X-Linked Classification Criteria (2023). Collection method: clinical testing. Allele origin: unknown.
Comment: This variant is considered pathogenic. This variant creates a termination codon and is predicted to result in premature protein truncation.